The following continues an entry in ClinVar:

NM_152743.4(BRAT1):c.638dup (p.Val214fs)

Gene: BRAT1. ClinVar aggregate classification (germline): Pathogenic/Likely pathogenic. Pathogenic (20); Likely pathogenic (1).

Submissions 14 to 28 of 28:

Revvity Omics, Revvity
Classification: Pathogenic. Last evaluated: 2021-04-19. Review status: criteria provided, single submitter. Criteria: ACMG Guidelines, 2015. Collection method: clinical testing. Allele origin: germline.

New York Genome Center
Classification: Likely pathogenic for Neurodevelopmental disorder with cerebellar atrophy and with or without seizures. Last evaluated: 2019-10-10. Review status: criteria provided, single submitter. Criteria: NYGC Assertion Criteria 2020. Collection method: clinical testing. Allele origin: germline. Inheritance: Autosomal recessive inheritance. Observed: 1 heterozygote. Study: CSER-NYCKidSeq.

Equipe Genetique des Anomalies du Developpement, Université de Bourgogne
Classification: Pathogenic for Neonatal-onset encephalopathy with rigidity and seizures. Last evaluated: 2018-07-10. Review status: criteria provided, single submitter. Criteria: ACMG Guidelines, 2015. Collection method: clinical testing. Allele origin: maternal. Affected: yes.

Rady Children's Institute for Genomic Medicine, Rady Children's Hospital San Diego
Classification: Pathogenic for RIGIDITY AND MULTIFOCAL SEIZURE SYNDROME, LETHAL NEONATAL. Last evaluated: 2018-04-20. Review status: criteria provided, single submitter. Criteria: ACMG Guidelines, 2015. Collection method: clinical testing. Allele origin: germline. Affected: yes. Observed: 1 variant allele.
Comment: This frameshifting variant is predicted to result in a premature stop codon and is therefore considered a loss-of-function mutation. This variant has been detected as a homozygous change in individuals with lethal neonatal rigidity and seizure syndrome (PMID: 22279524). It has also been reported in the compound heterozygous state in individuals with milder phenotypes (PMID: 27282648, 27282546). This variant is present as a heterozygous change in the gnomAD population database at a frequency of 0.024%. Based on the available evidence, the c.638dupA (p.Val214GlyfsTer189) variant is classified as pathogenic.

Genetic Services Laboratory, University of Chicago
Classification: Pathogenic. Last evaluated: 2017-12-13. Review status: criteria provided, single submitter. Criteria: ACMG Guidelines, 2015. Collection method: clinical testing. Allele origin: germline. Affected: yes.

Eurofins Ntd Llc (ga)
Classification: Pathogenic. Last evaluated: 2017-12-05. Review status: criteria provided, single submitter. Criteria: EGL Classification Definitions 2015. Collection method: clinical testing. Allele origin: germline. Observed: 1 variant allele, 1 heterozygote.

Ambry Genetics
Classification: Pathogenic for Inborn genetic diseases. Last evaluated: 2017-01-25. Review status: criteria provided, single submitter. Criteria: Ambry exome assertion method (8-5-2015). Collection method: clinical testing. Allele origin: germline. Affected: yes. Observed: 2 variant alleles.

Rady Children's Institute for Genomic Medicine, Rady Children's Hospital San Diego
Classification: Pathogenic for BRAT1-Related Disorders. Review status: criteria provided, single submitter. Criteria: ACMG Guidelines, 2015. Collection method: clinical testing. Allele origin: germline. Affected: yes.
Comment: This frameshifting variant in exon 5 of 14 introduces a premature stop codon and is therefore predicted to result in loss of normal protein function through either protein truncation or nonsense-mediated mRNA decay (NMD). This variant has been previously reported as a homozygous change in multiple individuals with Lethal Neonatal Rigidity & Seizure Syndrome (PMID: 22279524, 26535877, 26947546, 27282648, 27282546). It has also been reported in the compound heterozygous state in individuals with milder phenotypes (PMID: 27282648, 27282546). It is present in the heterozygous state in the gnomAD population database at a frequency of 0.024% (66/279484) and thus is presumed to be rare. Based on the available evidence, the c.638dup (p.Val214GlyfsTer189) variant is classified as Pathogenic.

Centre de Biologie Pathologie Génétique, Centre Hospitalier Universitaire de Lille
Classification: Pathogenic for Rigidity and multifocal seizure syndrome, lethal neonatal. Last evaluated: 2019-01-01. Review status: no assertion criteria provided. Collection method: clinical testing. Allele origin: biparental. Affected: yes. Not counted in ClinVar's aggregate classification.

OMIM
Classification: Pathogenic for RIGIDITY AND MULTIFOCAL SEIZURE SYNDROME, LETHAL NEONATAL. Last evaluated: 2012-01-01. Review status: no assertion criteria provided. Collection method: literature only. Allele origin: germline. Not counted in ClinVar's aggregate classification.

OMIM
Classification: Pathogenic for NEURODEVELOPMENTAL DISORDER WITH CEREBELLAR ATROPHY AND WITH OR WITHOUT SEIZURES. Last evaluated: 2012-01-01. Review status: no assertion criteria provided. Collection method: literature only. Allele origin: germline. Not counted in ClinVar's aggregate classification.

Clinical Genetics DNA and cytogenetics Diagnostics Lab, Erasmus MC, Erasmus Medical Center
Classification: Likely pathogenic. Review status: no assertion criteria provided. Collection method: clinical testing. Allele origin: germline. Affected: yes. Study: VKGL Data-share Consensus. Not counted in ClinVar's aggregate classification.

Diagnostic Laboratory, Department of Genetics, University Medical Center Groningen
Classification: Pathogenic. Review status: no assertion criteria provided. Collection method: clinical testing. Allele origin: germline. Affected: yes. Study: VKGL Data-share Consensus. Not counted in ClinVar's aggregate classification.

Genome Diagnostics Laboratory, Amsterdam University Medical Center
Classification: Pathogenic. Review status: no assertion criteria provided. Collection method: clinical testing. Allele origin: germline. Affected: yes. Study: VKGL Data-share Consensus. Not counted in ClinVar's aggregate classification.

Joint Genome Diagnostic Labs from Nijmegen and Maastricht, Radboudumc and MUMC+
Classification: Pathogenic. Review status: no assertion criteria provided. Collection method: clinical testing. Allele origin: germline. Affected: yes. Study: VKGL Data-share Consensus. Not counted in ClinVar's aggregate classification.

Literature cited by the submitters: PubMed 22279524 (cited by 6 submitters); PubMed 25500575 (cited by Labcorp Genetics (formerly Invitae), Labcorp); PubMed 26535877 (cited by 5 submitters); PubMed 26947546 (cited by 4 submitters); PubMed 27282546 (cited by 4 submitters); PubMed 27282648 (cited by 4 submitters); PubMed 37344571 (cited by Mayo Clinic Laboratories, Mayo Clinic); PubMed 34747546 (cited by Women's Health and Genetics/Laboratory Corporation of America, LabCorp).